The following is an entry in ClinVar:

ClinVar aggregate classification (germline): Likely pathogenic. Review status: criteria provided, single submitter (1 of 4 stars). 3 submissions from 3 submitters: Likely pathogenic (1). 2 of the submissions do not count toward it. Last evaluated 2025-11-17.

Conditions:
Pulmonary fibrosis. Identifiers: MedGen C0034069, MONDO:0002771, HP:0002206.
Interstitial lung disease 2 (ILD2). Also called: FIBROCYSTIC PULMONARY DYSPLASIA; FIBROSING ALVEOLITIS, CRYPTOGENIC; Familial idiopathic pulmonary fibrosis. Identifiers: Orphanet 2032, Orphanet 79126, MedGen C5561926, MONDO:0800497, OMIM 178500, MONDO:0800029.

Allele frequency attached by ClinVar (database versions not stated): TOPMed below 0.00001.

Submissions (3):

3billion
Classification: Likely pathogenic for Interstitial lung disease 2. Last evaluated: 2025-11-17. Review status: criteria provided, single submitter. Criteria: ACMG Guidelines, 2015. Collection method: clinical testing. Allele origin: germline. Affected: yes.
Comment: The variant is not observed in the gnomAD v4.1.0 dataset. Predicted Consequence/Location: Missense variant. Missense changes are a common disease-causing mechanism. Functional studies provide supporting evidence of the variant having a damaging effect on the gene or gene product (PMID: 19100526). The same nucleotide change resulting in the same amino acid change has been previously reported to be associated with SFTPA2-related disorder (ClinVar ID: VCV000013199 /PMID: 19100526).A different missense change at the same codon (p.Gly231Arg) has been reported to be associated with SFTPA2-related disorder (PMID: 26568241). Therefore, this variant is classified as Likely pathogenic according to the recommendation of ACMG/AMP guideline.

Garcia Pulmonary Genetics Research Laboratory, Columbia University Irving Medical Center
Classification: Likely risk allele for Pulmonary fibrosis. Last evaluated: 2022-06-09. Review status: no assertion criteria provided. Collection method: research. Allele origin: germline. Affected: yes. Not counted in ClinVar's aggregate classification.

OMIM
Classification: Pathogenic for INTERSTITIAL LUNG DISEASE 2. Last evaluated: 2009-01-01. Review status: no assertion criteria provided. Collection method: literature only. Allele origin: germline. Not counted in ClinVar's aggregate classification.

Literature cited by the submitters: PubMed 26568241 (cited by 3billion); PubMed 19100526 (cited by 3billion and OMIM).

NM_001098668.4(SFTPA2):c.692G>T (p.Gly231Val)

Gene: SFTPA2 (surfactant protein A2; minus strand). Cytogenetic location: 10q22.3.
Variant type: single nucleotide variant.
Coding change: c.692G>T on transcript NM_001098668.4 (MANE Select); coding-DNA position 692, G replaced by T.
Protein change: p.Gly231Val; replaces glycine 231 with valine.
Molecular consequence: missense variant.
Genome position (GRCh38, 1-based): chr10:79,557,264, C>A on the plus strand (G>T on the coding strand, the complement: SFTPA2 is on the minus strand). VCF-style: chr10-79557264-C-A. GRCh37 (hg19) VCF-style: chr10-81317020-C-A.
Other names: p.Gly231Val; c.692G>T, p.Gly231Val (NM_001320813.2); c.722G>T, p.Gly241Val (NM_001320814.1); short protein forms G231V, G241V.
Identifiers: ClinVar variation 13199 (VCV000013199.30), dbSNP rs121917737, ClinGen allele CA256736.